The following is an entry in ClinVar:

NM_144997.7(FLCN):c.1538+10A>C

Gene: FLCN (folliculin; minus strand). Cytogenetic location: 17p11.2.
Variant type: single nucleotide variant.
Coding change: c.1538+10A>C on transcript NM_144997.7 (MANE Select); 10 bases into the intron after coding-DNA position 1538, A replaced by C.
Molecular consequence: intron variant.
Genome position (GRCh38, 1-based): chr17:17,214,975, T>G on the plus strand (A>C on the coding strand, the complement: FLCN is on the minus strand). VCF-style: chr17-17214975-T-G. GRCh37 (hg19) VCF-style: chr17-17118289-T-G.
Other names: c.1538+10A>C (LRG_325t1, NM_001353231.2, NM_001353230.2); c.1592+10A>C (NM_001353229.2).
Identifiers: ClinVar variation 460601 (VCV000460601.16), dbSNP rs12451312, ClinGen allele CA8415950.

ClinVar aggregate classification (germline): Benign. Review status: criteria provided, multiple submitters, no conflicts (2 of 4 stars). 5 submissions from 5 submitters: Benign (4). 1 of the submissions does not count toward it. Last evaluated 2026-01-31.

Conditions:
Birt-Hogg-Dube syndrome. Also called: Birt Hogg Dubé syndrome. Identifiers: Orphanet 122, MedGen C0346010, MONDO:0800444.
Colorectal cancer. Also called: Colorectal cancer, somatic; Malignant Colorectal Neoplasm. Identifiers: MedGen C0346629, MONDO:0005575, OMIM 114500.
Nonpapillary renal cell carcinoma. Identifiers: Orphanet 422526, MedGen CN074294, MONDO:0007763, OMIM 144700.
Familial spontaneous pneumothorax (PSP). Identifiers: Orphanet 2903, MedGen C1868193, MONDO:0008259, OMIM 173600.
17p11.2 microduplication syndrome (PTLS). Also called: CHROMOSOME 17p11.2 DUPLICATION SYNDROME; Potocki-Lupski syndrome; Duplication 17p11.2 syndrome; Potocki-Lupski syndrome (dup(17)(p11.2p11.2)). Identifiers: Orphanet 1713, MedGen C2931246, MONDO:0012574, OMIM 610883.
FLCN-related disorder. Also called: FLCN-related condition.
Birt-Hogg-Dube syndrome 1 (BHD1). Also called: FIBROFOLLICULOMAS WITH TRICHODISCOMAS AND ACROCHORDONS. Identifiers: Orphanet 122, MedGen CN375946, MONDO:0800445, OMIM 135150.

Allele frequency attached by ClinVar (database versions not stated): gnomAD 0.00009 and 0.00010; TOPMed 0.00025; ExAC 0.00055; gnomAD exomes 0.00066.
gnomAD v4.1: 193 of 1,613,098 alleles (0.012%); highest among the groups gnomAD compares: Admixed American, 0.32%; 1 homozygote.

Submissions (5):

Labcorp Genetics (formerly Invitae), Labcorp
Classification: Benign for Birt-Hogg-Dube syndrome. Last evaluated: 2026-01-31. Review status: criteria provided, single submitter. Criteria: Invitae Variant Classification Sherloc (09022015). Collection method: clinical testing. Allele origin: germline.

Myriad Genetics, Inc.
Classification: Benign for Birt-Hogg-Dube syndrome 1. Last evaluated: 2024-12-19. Review status: criteria provided, single submitter. Criteria: Myriad Autosomal Dominant, Autosomal Recessive and X-Linked Classification Criteria (2023). Collection method: clinical testing. Allele origin: unknown.
Comment: This variant is considered benign. This variant is intronic and is not expected to impact mRNA splicing. Homozygosity has been confirmed in one or more individuals. As homozygosity for pathogenic variants in this gene is generally assumed to result in embryonic lethality, this variant is unlikely to be pathogenic.

Women's Health and Genetics/Laboratory Corporation of America, LabCorp
Classification: Benign. Last evaluated: 2022-04-08. Review status: criteria provided, single submitter. Criteria: LabCorp Variant Classification Summary - May 2015. Collection method: clinical testing. Allele origin: germline.

Fulgent Genetics
Classification: Benign for Colorectal cancer; Birt-Hogg-Dube syndrome 1; Nonpapillary renal cell carcinoma; Familial spontaneous pneumothorax; 17p11.2 microduplication syndrome. Last evaluated: 2021-08-18. Review status: criteria provided, single submitter. Criteria: ACMG Guidelines, 2015. Collection method: clinical testing. Allele origin: unknown.

PreventionGenetics, part of Exact Sciences
Classification: Benign for FLCN-related condition. Last evaluated: 2019-11-12. Review status: no assertion criteria provided. Collection method: clinical testing. Allele origin: germline. Not counted in ClinVar's aggregate classification.
Comment: This variant is classified as benign based on ACMG/AMP sequence variant interpretation guidelines (Richards et al. 2015 PMID: 25741868, with internal and published modifications).